The following is an entry in ClinVar:

NM_020184.4(CNNM4):c.19G>A (p.Gly7Ser)

Gene: CNNM4 (cyclin and CBS domain divalent metal cation transport mediator 4; plus strand). Cytogenetic location: 2q11.2.
Variant type: single nucleotide variant.
Coding change: c.19G>A on transcript NM_020184.4 (MANE Select); coding-DNA position 19, G replaced by A.
Protein change: p.Gly7Ser; replaces glycine 7 with serine.
Molecular consequence: missense variant.
Genome position (GRCh38, 1-based): chr2:96,761,018, G>A. VCF-style: chr2-96761018-G-A. GRCh37 (hg19) VCF-style: chr2-97426755-G-A.
Other names: short protein forms G7S.
Identifiers: ClinVar variation 851089 (VCV000851089.9), dbSNP rs2078754957, ClinGen allele CA347710365.

ClinVar aggregate classification (germline): Uncertain significance (1 of 4 stars; one submission).

Submission:

Labcorp Genetics (formerly Invitae), Labcorp
Classification: Uncertain significance. Last evaluated: 2022-01-15. Review status: criteria provided, single submitter. Criteria: Invitae Variant Classification Sherloc (09022015). Collection method: clinical testing. Allele origin: germline.
Comment: ClinVar contains an entry for this variant (Variation ID: 851089). Algorithms developed to predict the effect of missense changes on protein structure and function are either unavailable or do not agree on the potential impact of this missense change (SIFT: "Tolerated"; PolyPhen-2: "Not Available"; Align-GVGD: "Class C0"). In summary, the available evidence is currently insufficient to determine the role of this variant in disease. Therefore, it has been classified as a Variant of Uncertain Significance. This sequence change replaces glycine, which is neutral and non-polar, with serine, which is neutral and polar, at codon 7 of the CNNM4 protein (p.Gly7Ser). The frequency data for this variant in the population databases is considered unreliable, as metrics indicate insufficient coverage at this position in the gnomAD database. This variant has not been reported in the literature in individuals affected with CNNM4-related conditions.